The following is an entry in ClinVar:

NM_000444.6(PHEX):c.152_162del (p.Gln51fs)

Gene: PHEX (phosphate regulating endopeptidase homolog X-linked; plus strand). Cytogenetic location: Xp22.11.
Variant type: Deletion.
Coding change: c.152_162del on transcript NM_000444.6 (MANE Select); coding-DNA positions 152 to 162, 11 bases deleted (AGGAGTACTGC).
Protein change: p.Gln51fs; shifts the reading frame from glutamine 51.
Molecular consequence: frameshift variant.
Genome position (GRCh38, 1-based): chrX:22,038,502-22,038,512, AGGAGTACTGC deleted; deleting any 11 consecutive bases within chrX:22,038,501-22,038,512 gives the same sequence; the c. name uses the placement nearest the transcript's 3' end. VCF-style (leftmost placement, unchanged base first): chrX-22038500-ACAGGAGTACTG-A. GRCh37 (hg19) VCF-style: chrX-22056618-ACAGGAGTACTG-A.
Other names: c.152_162del, p.Gln51fs (NM_001282754.2); short protein forms Q51fs.
Identifiers: ClinVar variation 418922 (VCV000418922.2), dbSNP rs1064793526, ClinGen allele CA16621306.

ClinVar aggregate classification (germline): Pathogenic (1 of 4 stars; one submission).

Submission:

GeneDx
Classification: Pathogenic. Last evaluated: 2015-05-01. Review status: criteria provided, single submitter. Criteria: GeneDx Variant Classification (06012015). Collection method: clinical testing. Allele origin: germline. Affected: yes.
Comment: The c.152_162del11 deletion in the PHEX gene causes a frameshift starting with codon Glutamine 51,changes this amino acid to a Proline residue and creates a premature Stop codon at position 15 of the newreading frame, denoted p.Gln51ProfsX15. This deletion is predicted to cause loss of normal proteinfunction either through protein truncation or nonsense-mediated mRNA decay. The c.152_162del11variant was not observed in approximately 6,500 individuals of European and African American ancestryin the NHLBI Exome Sequencing Project, indicating it is not a common benign variant in these populations.Although this variant has not been previously reported to our knowledge, we interpret is as pathogenic.